The following is an entry in ClinVar:

NM_174936.4(PCSK9):c.1765G>A (p.Val589Met)

Gene: PCSK9 (proprotein convertase subtilisin/kexin type 9; plus strand). Cytogenetic location: 1p32.3.
Variant type: single nucleotide variant.
Coding change: c.1765G>A on transcript NM_174936.4 (MANE Select); coding-DNA position 1765, G replaced by A.
Protein change: p.Val589Met; replaces valine 589 with methionine.
Molecular consequence: missense variant.
Genome position (GRCh38, 1-based): chr1:55,061,458, G>A. VCF-style: chr1-55061458-G-A. GRCh37 (hg19) VCF-style: chr1-55527131-G-A.
Other names: c.1888G>A, p.Val630Met (NM_001407240.1); c.1807G>A, p.Val603Met (NM_001407241.1); c.1768G>A, p.Val590Met (NM_001407242.1); c.1708G>A, p.Val570Met (NM_001407243.1); c.1591G>A, p.Val531Met (NM_001407244.1); c.1573G>A, p.Val525Met (NM_001407245.1); c.1390G>A, p.Val464Met (NM_001407246.1); c.1264G>A, p.Val422Met (NM_001407247.1); short protein forms V589M, V630M, V570M, V603M, V531M, V590M, V422M, V464M.
Identifiers: ClinVar variation 630168 (VCV000630168.10), dbSNP rs372586224, ClinGen allele CA038828.

ClinVar aggregate classification (germline): Uncertain significance. Review status: criteria provided, multiple submitters, no conflicts (2 of 4 stars). 3 submissions from 3 submitters: Uncertain significance (3). Last evaluated 2025-03-19.

Conditions:
Familial hypercholesterolemia. Also called: Familial hypercholesterolemias; Familial hypercholesterolaemia. Identifiers: MedGen C0020445, MONDO:0005439.
Cardiovascular phenotype. Identifiers: MedGen CN230736.
Hypercholesterolemia, autosomal dominant, 3 (FHCL3). Also called: Familial Hypercholesterolemia, Autosomal Dominant, 3; PCSK9-Related Familial Hypercholesterolemia, Autosomal Dominant; Familial hypercholesterolemia 3. Identifiers: MedGen C1863551, MONDO:0011369, OMIM 603776.

Allele frequency attached by ClinVar (database versions not stated): ExAC 0.00001; gnomAD 0.00001 and 0.00002; TOPMed 0.00002; ESP Exome Variant Server 0.00008.
gnomAD v4.1: 11 of 1,608,158 alleles (0.00068%); highest among the groups gnomAD compares: East Asian, 0.0067%; no homozygotes.

Submissions (3):

Ambry Genetics
Classification: Uncertain significance for Cardiovascular phenotype. Last evaluated: 2025-03-19. Review status: criteria provided, single submitter. Criteria: Ambry Variant Classification Scheme 2023. Collection method: clinical testing. Allele origin: germline.
Comment: The p.V589M variant (also known as c.1765G>A), located in coding exon 11 of the PCSK9 gene, results from a G to A substitution at nucleotide position 1765. The valine at codon 589 is replaced by methionine, an amino acid with highly similar properties. This variant has been reported in a familial hypercholesterolemia (FH) cohort (Harada-Shiba M et al. J Atheroscler Thromb, 2022 Aug;29:1201-1212). This amino acid position is not well conserved in available vertebrate species. In addition, this alteration is predicted to be tolerated by in silico analysis. Based on the available evidence, the clinical significance of this variant remains unclear.

All of Us Research Program, National Institutes of Health
Classification: Uncertain significance for Hypercholesterolemia, autosomal dominant, 3. Last evaluated: 2024-04-16. Review status: criteria provided, single submitter. Criteria: ACMG Guidelines, 2015. Collection method: clinical testing. Allele origin: germline. Inheritance: Autosomal dominant inheritance. Observed: 3 variant alleles, 3 heterozygotes.
Comment: This missense variant replaces valine with methionine at codon 589 of the PCSK9 protein. Computational prediction suggests that this variant may not impact protein structure and function (internally defined REVEL score threshold <= 0.5, PMID: 27666373). To our knowledge, functional studies have not been reported for this variant. This variant has not been reported in individuals affected with familial hypercholesterolemia in the literature. This variant has not been identified in the general population by the Genome Aggregation Database (gnomAD). The available evidence is insufficient to determine the role of this variant in disease conclusively. Therefore, this variant is classified as a Variant of Uncertain Significance.

This study involves interpretation of variants in research participants for the purpose of population health screening. Participant phenotype was not available at the time of variant classification. Additional details can be found in publication PMID: 35346344, PMCID: PMC8962531

Color Diagnostics, LLC DBA Color Health
Classification: Uncertain significance for Familial hypercholesterolemia. Last evaluated: 2023-11-13. Review status: criteria provided, single submitter. Criteria: ACMG Guidelines, 2015. Collection method: clinical testing. Allele origin: germline.
Comment: This missense variant replaces valine with methionine at codon 589 of the PCSK9 protein. Computational prediction tools indicate that this variant has a neutral impact on protein structure and function. To our knowledge, functional studies have not been reported for this variant. This variant has been reported in one individual affected with acute coronary syndrome (PMID: 34526433). This variant has not been identified in the general population by the Genome Aggregation Database (gnomAD). The available evidence is insufficient to determine the role of this variant in disease conclusively. Therefore, this variant is classified as a Variant of Uncertain Significance.

Literature cited by the submitters: PubMed 34526433 (cited by Ambry Genetics and Color Diagnostics, LLC DBA Color Health).